The following is an entry in ClinVar:

ClinVar aggregate classification (germline): Likely benign (0 of 4 stars; one submission).

Conditions:
PATL2-related disorder. Also called: PATL2-related condition.

gnomAD v4.1: 3 of 1,551,690 alleles (0.00019%); no homozygotes.

Submission:

PreventionGenetics, part of Exact Sciences
Classification: Likely benign for PATL2-related condition. Last evaluated: 2019-02-22. Review status: no assertion criteria provided. Collection method: clinical testing. Allele origin: germline.
Comment: This variant is classified as likely benign based on ACMG/AMP sequence variant interpretation guidelines (Richards et al. 2015 PMID: 25741868, with internal and published modifications).

NM_001387263.1(PATL2):c.411C>T (p.Phe137=)

Gene: PATL2 (PAT1 homolog 2; minus strand). Cytogenetic location: 15q21.1.
Variant type: single nucleotide variant.
Coding change: c.411C>T on transcript NM_001387263.1 (MANE Select); coding-DNA position 411, C replaced by T.
Protein change: p.Phe137=; no amino-acid change (phenylalanine 137 retained).
Molecular consequence: synonymous variant. On other transcripts: 5 prime UTR variant (1).
Genome position (GRCh38, 1-based): chr15:44,673,270, G>A on the plus strand (C>T on the coding strand, the complement: PATL2 is on the minus strand). VCF-style: chr15-44673270-G-A. GRCh37 (hg19) VCF-style: chr15-44965468-G-A.
Other names: c.411C>T, p.Phe137= (NM_001145112.2, NM_001387260.1, NM_001387261.1 and 2 more transcripts); c.-240C>T (NM_001330283.2).
Identifiers: ClinVar variation 3353024 (VCV003353024.1).